The following is an entry in ClinVar:

NM_024301.5(FKRP):c.1118G>A (p.Gly373Asp)

Gene: FKRP (fukutin related protein; plus strand). Cytogenetic location: 19q13.32.
Variant type: single nucleotide variant.
Coding change: c.1118G>A on transcript NM_024301.5 (MANE Select); coding-DNA position 1118, G replaced by A.
Protein change: p.Gly373Asp; replaces glycine 373 with aspartic acid.
Molecular consequence: missense variant.
Genome position (GRCh38, 1-based): chr19:46,756,568, G>A. VCF-style: chr19-46756568-G-A. GRCh37 (hg19) VCF-style: chr19-47259825-G-A.
Other names: c.1118G>A (NM_024301.4); c.1118G>A, p.Gly373Asp (NM_001039885.3); short protein forms G373D.
Identifiers: ClinVar variation 1059549 (VCV001059549.7), dbSNP rs1413156584, ClinGen allele CA406496687.

ClinVar aggregate classification (germline): Uncertain significance. Review status: criteria provided, multiple submitters, no conflicts (2 of 4 stars). 2 submissions from 2 submitters: Uncertain significance (2). Last evaluated 2025-09-28.

Conditions:
Cardiovascular phenotype. Identifiers: MedGen CN230736.
Walker-Warburg congenital muscular dystrophy. Also called: Muscular dystrophy-dystroglycanopathy, type A; Walker-Warburg syndrome. Identifiers: Orphanet 899, MedGen C0265221, MONDO:0000171.

Allele frequency attached by ClinVar (database versions not stated): gnomAD exomes below 0.00001.
gnomAD v4.1: 2 of 1,608,516 alleles (0.00012%); highest among the groups gnomAD compares: Non-Finnish European, 0.00017%; no homozygotes.

Submissions (2):

Ambry Genetics
Classification: Uncertain significance for Cardiovascular phenotype. Last evaluated: 2025-09-28. Review status: criteria provided, single submitter. Criteria: Ambry Variant Classification Scheme 2023. Collection method: clinical testing. Allele origin: germline.
Comment: The p.G373D variant (also known as c.1118G>A), located in coding exon 1 of the FKRP gene, results from a G to A substitution at nucleotide position 1118. The glycine at codon 373 is replaced by aspartic acid, an amino acid with similar properties. This amino acid position is conserved. In addition, the in silico prediction for this alteration is inconclusive. Based on the available evidence, the clinical significance of this variant remains unclear.

Labcorp Genetics (formerly Invitae), Labcorp
Classification: Uncertain significance for Walker-Warburg congenital muscular dystrophy. Last evaluated: 2021-08-26. Review status: criteria provided, single submitter. Criteria: Invitae Variant Classification Sherloc (09022015). Collection method: clinical testing. Allele origin: germline.
Comment: This sequence change replaces glycine with aspartic acid at codon 373 of the FKRP protein (p.Gly373Asp). The glycine residue is moderately conserved and there is a moderate physicochemical difference between glycine and aspartic acid. This variant is not present in population databases (ExAC no frequency). This variant has not been reported in the literature in individuals affected with FKRP-related conditions. Algorithms developed to predict the effect of missense changes on protein structure and function (SIFT, PolyPhen-2, Align-GVGD) all suggest that this variant is likely to be tolerated. In summary, the available evidence is currently insufficient to determine the role of this variant in disease. Therefore, it has been classified as a Variant of Uncertain Significance.